The following is an entry in ClinVar:

ClinVar aggregate classification (germline): Conflicting classifications of pathogenicity. Review status: criteria provided, conflicting classifications (1 of 4 stars). 2 submissions from 2 submitters: Uncertain significance (1); Likely benign (1). Last evaluated 2025-08-09.

Conditions:
Inborn genetic diseases. Identifiers: MedGen C0950123, MeSH D030342.
Salla disease (SD). Also called: Sialuria, Finnish type; N-acetylneuraminic acid (NANA) storage disease (NSD); Infantile sialic acid storage disorder (ISSD); Less Severe FSASD (Salla Disease). Identifiers: Orphanet 309334, Orphanet 834, MedGen C1096903, MONDO:0011449, OMIM 604369.

Allele frequency attached by ClinVar (database versions not stated): gnomAD exomes below 0.00001 and 0.00001; ExAC 0.00001; gnomAD 0.00001.
gnomAD v4.1: 5 of 1,592,888 alleles (0.00031%); highest among the groups gnomAD compares: Admixed American, 0.0017%; no homozygotes.

Submissions (2):

Ambry Genetics
Classification: Likely benign for Inborn genetic diseases. Last evaluated: 2025-08-09. Review status: criteria provided, single submitter. Criteria: Ambry Variant Classification Scheme 2023. Collection method: clinical testing. Allele origin: germline.

Labcorp Genetics (formerly Invitae), Labcorp
Classification: Uncertain significance for Salla disease. Last evaluated: 2021-12-02. Review status: criteria provided, single submitter. Criteria: Invitae Variant Classification Sherloc (09022015). Collection method: clinical testing. Allele origin: germline.
Comment: This sequence change replaces leucine, which is neutral and non-polar, with isoleucine, which is neutral and non-polar, at codon 242 of the SLC17A5 protein (p.Leu242Ile). The frequency data for this variant in the population databases is considered unreliable, as metrics indicate poor data quality at this position in the gnomAD database. This variant has not been reported in the literature in individuals affected with SLC17A5-related conditions. Algorithms developed to predict the effect of missense changes on protein structure and function output the following: SIFT: "Tolerated"; PolyPhen-2: "Benign"; Align-GVGD: "Class C0". The isoleucine amino acid residue is found in multiple mammalian species, which suggests that this missense change does not adversely affect protein function. In summary, the available evidence is currently insufficient to determine the role of this variant in disease. Therefore, it has been classified as a Variant of Uncertain Significance.

NM_012434.5(SLC17A5):c.724C>A (p.Leu242Ile)

Gene: SLC17A5 (solute carrier family 17 member 5; minus strand). Cytogenetic location: 6q13.
Variant type: single nucleotide variant.
Coding change: c.724C>A on transcript NM_012434.5 (MANE Select); coding-DNA position 724, C replaced by A.
Protein change: p.Leu242Ile; replaces leucine 242 with isoleucine.
Molecular consequence: missense variant.
Genome position (GRCh38, 1-based): chr6:73,635,477, G>T on the plus strand (C>A on the coding strand, the complement: SLC17A5 is on the minus strand). VCF-style: chr6-73635477-G-T. GRCh37 (hg19) VCF-style: chr6-74345200-G-T.
Other names: c.493C>A, p.Leu165Ile (NM_001382629.1); c.724C>A, p.Leu242Ile (NM_001382630.1, NM_001382633.1, NM_001382634.1); c.745C>A, p.Leu249Ile (NM_001382631.1); c.637C>A, p.Leu213Ile (NM_001382632.1); c.721C>A, p.Leu241Ile (NM_001382635.1); c.406C>A, p.Leu136Ile (NM_001382636.1); c.724C>A (NM_012434.4); short protein forms L136I, L213I, L241I, L242I, L165I, L249I.
Identifiers: ClinVar variation 1381266 (VCV001381266.4), dbSNP rs757218186, ClinGen allele CA3890447.